The following is an entry in ClinVar:

NM_000057.4(BLM):c.759G>A (p.Gln253=)

Gene: BLM (BLM RecQ like helicase; plus strand). Cytogenetic location: 15q26.1.
Variant type: single nucleotide variant.
Coding change: c.759G>A on transcript NM_000057.4 (MANE Select); coding-DNA position 759, G replaced by A.
Protein change: p.Gln253=; no amino-acid change (glutamine 253 retained).
Molecular consequence: synonymous variant. On other transcripts: 5 prime UTR variant (1).
Genome position (GRCh38, 1-based): chr15:90,750,027, G>A. VCF-style: chr15-90750027-G-A. GRCh37 (hg19) VCF-style: chr15-91293257-G-A.
Other names: c.759G>A (LRG_20t1); c.759G>A, p.Gln253= (NM_001287246.2, NM_001287247.2); c.-533G>A (NM_001287248.2).
Identifiers: ClinVar variation 254781 (VCV000254781.32), dbSNP rs34580216, ClinGen allele CA7738346.

ClinVar aggregate classification (germline): Likely benign. Review status: criteria provided, multiple submitters, no conflicts (2 of 4 stars). 7 submissions from 7 submitters: Likely benign (6). 1 of the submissions does not count toward it. Last evaluated 2026-01-13.

Conditions:
Hereditary cancer-predisposing syndrome. Also called: Tumor predisposition; Hereditary Cancer Syndrome; Neoplastic Syndromes, Hereditary; Hereditary neoplastic syndrome. Identifiers: Orphanet 140162, MedGen C0027672, MeSH D009386, MONDO:0015356.
Bloom syndrome (BLM). Also called: Bloom-Torre-Machacek syndrome. Identifiers: Orphanet 125, MedGen C0005859, MONDO:0008876, OMIM 210900.

Allele frequency attached by ClinVar (database versions not stated): gnomAD exomes 0.00002 and 0.00008; ExAC 0.00008; 1000 Genomes Project 30x 0.00031; gnomAD 0.00033 and 0.00034; TOPMed 0.00036; 1000 Genomes Project 0.00040.
gnomAD v4.1: 79 of 1,614,138 alleles (0.0049%); highest among the groups gnomAD compares: African/African-American, 0.084%; no homozygotes.

Submissions (7):

Labcorp Genetics (formerly Invitae), Labcorp
Classification: Likely benign for Bloom syndrome. Last evaluated: 2026-01-13. Review status: criteria provided, single submitter. Criteria: Invitae Variant Classification Sherloc (09022015). Collection method: clinical testing. Allele origin: germline.

CeGaT Center for Human Genetics Tuebingen
Classification: Likely benign. Last evaluated: 2025-01-01. Review status: criteria provided, single submitter. Criteria: CeGaT Center For Human Genetics Tuebingen Variant Classification Criteria Version 2. Collection method: clinical testing. Allele origin: germline. Affected: yes. Observed: 1 variant allele.
Comment: BLM: BP4, BP7

Blueprint Genetics
Classification: Likely benign. Last evaluated: 2023-12-29. Review status: criteria provided, single submitter. Criteria: ACMG Guidelines, 2015. Collection method: clinical testing. Allele origin: germline.

Sema4
Classification: Likely benign for Hereditary cancer-predisposing syndrome. Last evaluated: 2021-06-16. Review status: criteria provided, single submitter. Criteria: Sema4 Curation Guidelines. Collection method: curation. Allele origin: germline.

Ambry Genetics
Classification: Likely benign for Hereditary cancer-predisposing syndrome. Last evaluated: 2017-06-05. Review status: criteria provided, single submitter. Criteria: Ambry Variant Classification Scheme 2023. Collection method: clinical testing. Allele origin: germline.

PreventionGenetics, part of Exact Sciences
Classification: Likely benign. Review status: criteria provided, single submitter. Criteria: ACMG Guidelines, 2015. Collection method: clinical testing. Allele origin: germline.

Natera, Inc.
Classification: Likely benign for Bloom syndrome. Last evaluated: 2020-09-16. Review status: no assertion criteria provided. Collection method: clinical testing. Allele origin: germline. Not counted in ClinVar's aggregate classification.